The following is an entry in ClinVar:

ClinVar aggregate classification (germline): Conflicting classifications of pathogenicity. Review status: criteria provided, conflicting classifications (1 of 4 stars). 4 submissions from 4 submitters: Uncertain significance (3); Benign (1). Last evaluated 2026-02-01.

Conditions:
Inborn genetic diseases. Identifiers: MedGen C0950123, MeSH D030342.

Allele frequency attached by ClinVar (database versions not stated): TOPMed 0.00002; gnomAD exomes 0.00012; gnomAD 0.00001 and 0.00005; ExAC 0.00013; 1000 Genomes Project 30x 0.00047; 1000 Genomes Project 0.00060.

Submissions (4):

Labcorp Genetics (formerly Invitae), Labcorp
Classification: Benign. Last evaluated: 2026-02-01. Review status: criteria provided, single submitter. Criteria: Invitae Variant Classification Sherloc (09022015). Collection method: clinical testing. Allele origin: germline.

Ambry Genetics
Classification: Uncertain significance for Inborn genetic diseases. Last evaluated: 2025-11-24. Review status: criteria provided, single submitter. Criteria: Ambry Variant Classification Scheme 2023. Collection method: clinical testing. Allele origin: germline.

GeneDx
Classification: Uncertain significance. Last evaluated: 2025-11-18. Review status: criteria provided, single submitter. Criteria: GeneDx Variant Classification Process June 2021. Collection method: clinical testing. Allele origin: germline. Affected: yes.
Comment: In silico analysis supports that this missense variant has a deleterious effect on protein structure/function; Has not been previously published as pathogenic or benign to our knowledge; This variant is associated with the following publications: (PMID: 25240749)

Blueprint Genetics
Classification: Uncertain significance. Last evaluated: 2024-11-19. Review status: criteria provided, single submitter. Criteria: ACMG Guidelines, 2015. Collection method: clinical testing. Allele origin: germline.

NM_001854.4(COL11A1):c.1493G>A (p.Arg498His)

Gene: COL11A1 (collagen type XI alpha 1 chain; minus strand). Cytogenetic location: 1p21.1.
Variant type: single nucleotide variant.
Coding change: c.1493G>A on transcript NM_001854.4 (MANE Select); coding-DNA position 1493, G replaced by A.
Protein change: p.Arg498His; replaces arginine 498 with histidine.
Molecular consequence: missense variant. On other transcripts: non-coding transcript variant (1).
Genome position (GRCh38, 1-based): chr1:103,014,590, C>T on the plus strand (G>A on the coding strand, the complement: COL11A1 is on the minus strand). VCF-style: chr1-103014590-C-T. GRCh37 (hg19) VCF-style: chr1-103480146-C-T.
Other names: c.1145G>A, p.Arg382His (NM_080630.4); c.1376G>A, p.Arg459His (NM_001190709.2); c.1529G>A, p.Arg510His (NM_080629.3); short protein forms R382H, R459H, R498H, R510H.
Identifiers: ClinVar variation 1052168 (VCV001052168.15), dbSNP rs545363972, ClinGen allele CA974951.
Genomic context (GRCh38, chr1:103,014,590, plus strand): 5'-GCTTGAGCCTGAGCTTCCTGAGCAGAGATGGTTGGTCCTTTGGAACCATCACCACCATAA[C>T]GGAACTTGGAAGAGATAACATTAAGAAATTCAAAATTAGCTTTGTCAAACATGTTGAATT-3'
Protein context (NP_001845.3, residues 488-508): PPGTMLMLPF[Arg498His]YGGDGSKGPT